The following is an entry in ClinVar:

ClinVar aggregate classification (germline): Uncertain significance. Review status: criteria provided, multiple submitters, no conflicts (2 of 4 stars). 3 submissions from 3 submitters: Uncertain significance (2). 1 of the submissions does not count toward it. Last evaluated 2022-10-03.

Conditions:
Decreased circulating carnitine concentration. Also called: Decreased plasma carnitine. Identifiers: MedGen C5848230, HP:0003234.
Renal carnitine transport defect (CDSP). Also called: CARNITINE DEFICIENCY, SYSTEMIC, DUE TO DEFECT IN RENAL REABSORPTION OF CARNITINE; CARNITINE TRANSPORTER, PLASMA-MEMBRANE, DEFICIENCY OF; CARNITINE UPTAKE DEFECT; Carnitine transporter deficiency; Primary carnitine deficiency; Systemic primary carnitine deficiency. Identifiers: Orphanet 158, MedGen C0342788, MONDO:0008919, OMIM 212140.

Allele frequency attached by ClinVar (database versions not stated): gnomAD exomes 0.00001; ExAC 0.00002; TOPMed 0.00005; gnomAD 0.00006 and 0.00007; ESP Exome Variant Server 0.00015.
gnomAD v4.1: 24 of 1,614,016 alleles (0.0015%); highest among the groups gnomAD compares: African/African-American, 0.013%; no homozygotes.

Submissions (3):

Giacomini Lab, University of California, San Francisco
Classification: Uncertain significance for Renal carnitine transport defect. Last evaluated: 2022-10-03. Review status: criteria provided, single submitter. Criteria: ACMG Guidelines, 2015. Collection method: research, in vitro. Allele origin: germline, not applicable.

Labcorp Genetics (formerly Invitae), Labcorp
Classification: Uncertain significance for Renal carnitine transport defect. Last evaluated: 2022-09-13. Review status: criteria provided, single submitter. Criteria: Invitae Variant Classification Sherloc (09022015). Collection method: clinical testing. Allele origin: germline.
Comment: This sequence change replaces arginine, which is basic and polar, with glutamine, which is neutral and polar, at codon 257 of the SLC22A5 protein (p.Arg257Gln). This variant is present in population databases (rs148989838, gnomAD 0.01%). This variant has not been reported in the literature in individuals affected with SLC22A5-related conditions. ClinVar contains an entry for this variant (Variation ID: 645726). Advanced modeling of protein sequence and biophysical properties (such as structural, functional, and spatial information, amino acid conservation, physicochemical variation, residue mobility, and thermodynamic stability) has been performed at Invitae for this missense variant, however the output from this modeling did not meet the statistical confidence thresholds required to predict the impact of this variant on SLC22A5 protein function. In summary, the available evidence is currently insufficient to determine the role of this variant in disease. Therefore, it has been classified as a Variant of Uncertain Significance.

Natera, Inc.
Classification: Uncertain significance for Carnitine deficiency. Last evaluated: 2021-01-04. Review status: no assertion criteria provided. Collection method: clinical testing. Allele origin: germline. Not counted in ClinVar's aggregate classification.

NM_003060.4(SLC22A5):c.770G>A (p.Arg257Gln)

Gene: SLC22A5 (solute carrier family 22 member 5; plus strand). Cytogenetic location: 5q31.1.
Variant type: single nucleotide variant.
Coding change: c.770G>A on transcript NM_003060.4 (MANE Select); coding-DNA position 770, G replaced by A.
Protein change: p.Arg257Gln; replaces arginine 257 with glutamine.
Molecular consequence: missense variant.
Genome position (GRCh38, 1-based): chr5:132,385,445, G>A. VCF-style: chr5-132385445-G-A. GRCh37 (hg19) VCF-style: chr5-131721137-G-A.
Other names: p.Arg257Gln; c.842G>A, p.Arg281Gln (NM_001308122.2); short protein forms R257Q, R281Q.
Identifiers: ClinVar variation 645726 (VCV000645726.13), dbSNP rs148989838, ClinGen allele CA3403964.
Genomic context (GRCh38, chr5:132,385,445, plus strand): 5'-TATTTTATGCATTTGGCTACATGGTGCTGCCACTGTTTGCTTACTTCATCCGAGACTGGC[G>A]GATGCTGCTGGTGGCGCTGACGATGCCGGGGGTGCTATGCGTGGCACTCTGGTGGTGAGT-3'
Protein context (NP_003051.1, residues 247-267): PLFAYFIRDW[Arg257Gln]MLLVALTMPG